The following is an entry in ClinVar:

ClinVar aggregate classification (germline): Conflicting classifications of pathogenicity. Review status: criteria provided, conflicting classifications (1 of 4 stars). 2 submissions from 2 submitters: Uncertain significance (1); Likely benign (1). Last evaluated 2022-03-11.

Conditions:
Familial cold autoinflammatory syndrome 3 (FCAS3). Also called: ANTIBODY DEFICIENCY AND IMMUNE DYSREGULATION, PLCG2-ASSOCIATED; FAMILIAL ATYPICAL COLD URTICARIA. Identifiers: Orphanet 300359, MedGen C3280914, MONDO:0013766, OMIM 614468.

Allele frequency attached by ClinVar (database versions not stated): TOPMed below 0.00001.
gnomAD v4.1: 1 of 1,613,732 alleles (0.000062%); no homozygotes.

Submissions (2):

Labcorp Genetics (formerly Invitae), Labcorp
Classification: Uncertain significance for Familial cold autoinflammatory syndrome 3. Last evaluated: 2022-03-11. Review status: criteria provided, single submitter. Criteria: Invitae Variant Classification Sherloc (09022015). Collection method: clinical testing. Allele origin: germline.
Comment: ClinVar contains an entry for this variant (Variation ID: 1330958). This variant has not been reported in the literature in individuals affected with PLCG2-related conditions. This variant is not present in population databases (gnomAD no frequency). This sequence change falls in intron 28 of the PLCG2 gene. It does not directly change the encoded amino acid sequence of the PLCG2 protein. It affects a nucleotide within the consensus splice site. Variants that disrupt the consensus splice site are a relatively common cause of aberrant splicing (PMID: 17576681, 9536098). Algorithms developed to predict the effect of sequence changes on RNA splicing suggest that this variant is not likely to affect RNA splicing. In summary, the available evidence is currently insufficient to determine the role of this variant in disease. Therefore, it has been classified as a Variant of Uncertain Significance.

ARUP Laboratories, Molecular Genetics and Genomics, ARUP Laboratories
Classification: Likely benign. Last evaluated: 2021-09-13. Review status: criteria provided, single submitter. Criteria: ARUP Molecular Germline Variant Investigation Process 2021. Collection method: clinical testing. Allele origin: germline.

Literature cited by the submitters: PubMed 17576681 (cited by Labcorp Genetics (formerly Invitae), Labcorp); PubMed 9536098 (cited by Labcorp Genetics (formerly Invitae), Labcorp).

NM_002661.5(PLCG2):c.3198+6G>A

Gene: PLCG2 (phospholipase C gamma 2; plus strand). Cytogenetic location: 16q23.3.
Variant type: single nucleotide variant.
Coding change: c.3198+6G>A on transcript NM_002661.5 (MANE Select); 6 bases into the intron after coding-DNA position 3198, G replaced by A.
Molecular consequence: intron variant.
Genome position (GRCh38, 1-based): chr16:81,937,909, G>A. VCF-style: chr16-81937909-G-A. GRCh37 (hg19) VCF-style: chr16-81971514-G-A.
Identifiers: ClinVar variation 1330958 (VCV001330958.12), dbSNP rs752647511, ClinGen allele CA724736241.